The following is an entry in ClinVar:

ClinVar aggregate classification (germline): Uncertain significance. Review status: criteria provided, multiple submitters, no conflicts (2 of 4 stars). 2 submissions from 2 submitters: Uncertain significance (2). Last evaluated 2026-01-27.

Conditions:
Landau-Kleffner syndrome (FESD). Also called: EPILEPSY, FOCAL, WITH SPEECH DISORDER AND WITH OR WITHOUT MENTAL RETARDATION; APHASIA, ACQUIRED, WITH EPILEPSY. Identifiers: Orphanet 1945, Orphanet 725, Orphanet 98818, MedGen C0282512, MONDO:0009509, OMIM 245570.

Allele frequency attached by ClinVar (database versions not stated): TOPMed below 0.00001.
gnomAD v4.1: 7 of 1,613,806 alleles (0.00043%); highest among the groups gnomAD compares: East Asian, 0.0022%; no homozygotes.

Submissions (2):

Labcorp Genetics (formerly Invitae), Labcorp
Classification: Uncertain significance for Landau-Kleffner syndrome. Last evaluated: 2026-01-27. Review status: criteria provided, single submitter. Criteria: Invitae Variant Classification Sherloc (09022015). Collection method: clinical testing. Allele origin: germline.
Comment: This sequence change replaces valine, which is neutral and non-polar, with methionine, which is neutral and non-polar, at codon 1453 of the GRIN2A protein (p.Val1453Met). This variant is not present in population databases (gnomAD no frequency). This variant has not been reported in the literature in individuals affected with GRIN2A-related conditions. ClinVar contains an entry for this variant (Variation ID: 1321100). Invitae Evidence Modeling of protein sequence and biophysical properties (such as structural, functional, and spatial information, amino acid conservation, physicochemical variation, residue mobility, and thermodynamic stability) indicates that this missense variant is not expected to disrupt GRIN2A protein function with a negative predictive value of 95%. In summary, the available evidence is currently insufficient to determine the role of this variant in disease. Therefore, it has been classified as a Variant of Uncertain Significance.

GeneDx
Classification: Uncertain significance. Last evaluated: 2021-11-08. Review status: criteria provided, single submitter. Criteria: GeneDx Variant Classification Process June 2021. Collection method: clinical testing. Allele origin: germline. Affected: yes.
Comment: Not observed at significant frequency in large population cohorts (Lek et al., 2016); In silico analysis supports that this missense variant does not alter protein structure/function; Has not been previously published as pathogenic or benign to our knowledge

NM_001134407.3(GRIN2A):c.4357G>A (p.Val1453Met)

Gene: GRIN2A (glutamate ionotropic receptor NMDA type subunit 2A; minus strand). Cytogenetic location: 16p13.2.
Variant type: single nucleotide variant.
Coding change: c.4357G>A on transcript NM_001134407.3 (MANE Select); coding-DNA position 4357, G replaced by A.
Protein change: p.Val1453Met; replaces valine 1453 with methionine.
Molecular consequence: missense variant. On other transcripts: 3 prime UTR variant (1).
Genome position (GRCh38, 1-based): chr16:9,763,187, C>T on the plus strand (G>A on the coding strand, the complement: GRIN2A is on the minus strand). VCF-style: chr16-9763187-C-T. GRCh37 (hg19) VCF-style: chr16-9857044-C-T.
Other names: c.4357G>A, p.Val1453Met (NM_000833.5); c.*168G>A (NM_001134408.2); short protein forms V1453M.
Identifiers: ClinVar variation 1321100 (VCV001321100.7), dbSNP rs201707833, ClinGen allele CA394705090.